The following is an entry in ClinVar:

ClinVar aggregate classification (germline): Uncertain significance. Review status: criteria provided, multiple submitters, no conflicts (2 of 4 stars). 2 submissions from 2 submitters: Uncertain significance (2). Last evaluated 2024-10-25.

Conditions:
Hereditary spastic paraplegia 39 (SPG39). Also called: SPASTIC PARAPLEGIA 39, AUTOSOMAL RECESSIVE; Spastic Paraplegia Type 39 (SPG39). Identifiers: Orphanet 139480, MedGen C2677586, MONDO:0012787, OMIM 612020.

Allele frequency attached by ClinVar (database versions not stated): gnomAD exomes below 0.00001 and 0.00001; ExAC 0.00001; gnomAD 0.00001; TOPMed 0.00001.
gnomAD v4.1: 6 of 1,612,190 alleles (0.00037%); highest among the groups gnomAD compares: South Asian, 0.0011%; no homozygotes.

Submissions (2):

Labcorp Genetics (formerly Invitae), Labcorp
Classification: Uncertain significance for Hereditary spastic paraplegia 39. Last evaluated: 2024-10-25. Review status: criteria provided, single submitter. Criteria: Invitae Variant Classification Sherloc (09022015). Collection method: clinical testing. Allele origin: germline.
Comment: This sequence change replaces arginine, which is basic and polar, with glutamine, which is neutral and polar, at codon 1060 of the PNPLA6 protein (p.Arg1060Gln). This variant is present in population databases (rs756056332, gnomAD 0.002%). This variant has not been reported in the literature in individuals affected with PNPLA6-related conditions. ClinVar contains an entry for this variant (Variation ID: 962657). Invitae Evidence Modeling of protein sequence and biophysical properties (such as structural, functional, and spatial information, amino acid conservation, physicochemical variation, residue mobility, and thermodynamic stability) indicates that this missense variant is expected to disrupt PNPLA6 protein function with a positive predictive value of 80%. This variant disrupts the p.Arg1060 amino acid residue in PNPLA6. Other variant(s) that disrupt this residue have been determined to be pathogenic (PMID: 25574898, 34234304). This suggests that this residue is clinically significant, and that variants that disrupt this residue are likely to be disease-causing. In summary, the available evidence is currently insufficient to determine the role of this variant in disease. Therefore, it has been classified as a Variant of Uncertain Significance.

Blueprint Genetics
Classification: Uncertain significance. Last evaluated: 2023-11-29. Review status: criteria provided, single submitter. Criteria: ACMG Guidelines, 2015. Collection method: clinical testing. Allele origin: germline.

Literature cited by the submitters: PubMed 25574898 (cited by Labcorp Genetics (formerly Invitae), Labcorp); PubMed 34234304 (cited by Labcorp Genetics (formerly Invitae), Labcorp).

NM_001166114.2(PNPLA6):c.3293G>A (p.Arg1098Gln)

Gene: PNPLA6 (patatin like domain 6, lysophospholipase; plus strand). Cytogenetic location: 19p13.2.
Variant type: single nucleotide variant.
Coding change: c.3293G>A on transcript NM_001166114.2 (MANE Select); coding-DNA position 3293, G replaced by A.
Protein change: p.Arg1098Gln; replaces arginine 1098 with glutamine.
Molecular consequence: missense variant.
Genome position (GRCh38, 1-based): chr19:7,557,180, G>A. VCF-style: chr19-7557180-G-A. GRCh37 (hg19) VCF-style: chr19-7622066-G-A.
Other names: c.3323G>A, p.Arg1108Gln (NM_001166111.2); c.3098G>A, p.Arg1033Gln (NM_001166112.2); c.3179G>A, p.Arg1060Gln (NM_001166113.1, NM_006702.5); short protein forms R1060Q, R1108Q, R1033Q, R1098Q.
Identifiers: ClinVar variation 962657 (VCV000962657.9), dbSNP rs756056332, ClinGen allele CA9140421.
Genomic context (GRCh38, chr19:7,557,180, plus strand): 5'-GTCTGAGCGTGTCTGTGCGTGTTTGTGTCTGTGTGTCCCACCGCGCAGGCTCCCTGTGGC[G>A]GTACGTGCGCGCCAGCATGACGCTGTCGGGCTACCTGCCCCCGCTGTGCGACCCCAAGGA-3'
Protein context (NP_001159586.1, residues 1088-1108): MRVHKDGSLW[Arg1098Gln]YVRASMTLSG